The following is an entry in ClinVar:

ClinVar aggregate classification (germline): Uncertain significance (1 of 4 stars; one submission).

Submission:

Labcorp Genetics (formerly Invitae), Labcorp
Classification: Uncertain significance. Last evaluated: 2023-10-12. Review status: criteria provided, single submitter. Criteria: Invitae Variant Classification Sherloc (09022015). Collection method: clinical testing. Allele origin: germline.
Comment: This variant results in a copy number gain of the genomic region encompassing exon(s) 39-44 of the CACNA1B gene. While the exact position of this variant cannot be determined from the data, sub-genic copy number gains are generally in tandem (PMID: 25640679). This variant is predicted to be in-frame, and likely preserves the integrity of the reading frame. This variant has not been reported in the literature in individuals affected with CACNA1B-related conditions. Experimental studies and prediction algorithms are not available or were not evaluated, and the functional significance of this variant is currently unknown. In summary, the available evidence is currently insufficient to determine the role of this variant in disease. Therefore, it has been classified as a Variant of Uncertain Significance.

Literature cited by the submitters: PubMed 25640679.

NC_000009.11:g.(?_141000131)_(141013240_?)dup

Gene: CACNA1B (calcium voltage-gated channel subunit alpha1 B; plus strand). Cytogenetic location: 9q34.3.
Variant type: Duplication.
Identifiers: ClinVar variation 2423363 (VCV002423363.4).